The following is an entry in ClinVar:

NM_003383.5(VLDLR):c.2252-2A>C

Gene: VLDLR (very low density lipoprotein receptor; plus strand). Cytogenetic location: 9p24.2.
Variant type: single nucleotide variant.
Coding change: c.2252-2A>C on transcript NM_003383.5 (MANE Select); the canonical splice acceptor site of the intron before coding-DNA position 2252, A replaced by C.
Molecular consequence: splice acceptor variant. On other transcripts: intron variant (2).
Genome position (GRCh38, 1-based): chr9:2,651,413, A>C. VCF-style: chr9-2651413-A-C. GRCh37 (hg19) VCF-style: chr9-2651413-A-C.
Other names: c.2252-461A>C (NM_001018056.3); c.2129-2A>C (NM_001322225.2); c.2129-461A>C (NM_001322226.2).
Identifiers: ClinVar variation 2904136 (VCV002904136.4), dbSNP rs149535475, ClinGen allele CA4965124.

ClinVar aggregate classification (germline): Likely pathogenic. Review status: criteria provided, multiple submitters, no conflicts (2 of 4 stars). 2 submissions from 2 submitters: Likely pathogenic (2). Last evaluated 2024-01-11.

Conditions:
Cerebellar ataxia, impaired intellectual development, and dysequilibrium syndrome 1. Also called: VLDLR Cerebellar Hypoplasia; Cerebellar ataxia, mental retardation, and dysequilibrium syndrome 1; CEREBELLAR ATAXIA AND MENTAL RETARDATION WITH OR WITHOUT QUADRUPEDAL LOCOMOTION 1; CEREBELLAR ATAXIA, CONGENITAL, AND MENTAL RETARDATION, AUTOSOMAL RECESSIVE; Cerebellar ataxia, intellectual disability, and dysequilibrium syndrome 1; Cerebellar hypoplasia and mental retardation with or without quadrupedal locomotion 1. Identifiers: Orphanet 1766, MedGen C4551552, MONDO:0024542, OMIM 224050.

Allele frequency attached by ClinVar (database versions not stated): ESP Exome Variant Server 0.00015.
gnomAD v4.1: 6 of 1,613,514 alleles (0.00037%); highest among the groups gnomAD compares: African/African-American, 0.008%; no homozygotes.

Submissions (2):

Women's Health and Genetics/Laboratory Corporation of America, LabCorp
Classification: Likely pathogenic for Cerebellar ataxia, impaired intellectual development, and dysequilibrium syndrome 1. Last evaluated: 2024-01-11. Review status: criteria provided, single submitter. Criteria: LabCorp Variant Classification Summary - May 2015. Collection method: clinical testing. Allele origin: germline.
Comment: Variant summary: VLDLR c.2252-2A>C is located in a canonical splice-site and is predicted to affect mRNA splicing resulting in a significantly altered protein due to either exon skipping, shortening, or inclusion of intronic material. Several computational tools predict a significant impact on normal splicing: Three predict the variant abolishes a 5' splicing donor site. Four predict the variant abolishes a 3' acceptor site. However, these predictions have yet to be confirmed by functional studies. The variant allele was found at a frequency of 1.2e-05 in 250458 control chromosomes. To our knowledge, no occurrence of c.2252-2A>C in individuals affected with Cerebellar Ataxia, Mental Retardation, And Dysequilibrium Syndrome 1 and no experimental evidence demonstrating its impact on protein function have been reported. No submitters have cited clinical-significance assessments for this variant to ClinVar. Based on the evidence outlined above, the variant was classified as likely pathogenic.

Labcorp Genetics (formerly Invitae), Labcorp
Classification: Likely pathogenic. Last evaluated: 2023-04-08. Review status: criteria provided, single submitter. Criteria: Invitae Variant Classification Sherloc (09022015). Collection method: clinical testing. Allele origin: germline.
Comment: In summary, the currently available evidence indicates that the variant is pathogenic, but additional data are needed to prove that conclusively. Therefore, this variant has been classified as Likely Pathogenic. Algorithms developed to predict the effect of sequence changes on RNA splicing suggest that this variant may disrupt the consensus splice site. This variant has not been reported in the literature in individuals affected with VLDLR-related conditions. This variant is present in population databases (rs149535475, gnomAD 0.008%). This sequence change affects an acceptor splice site in intron 15 of the VLDLR gene. It is expected to disrupt RNA splicing. Variants that disrupt the donor or acceptor splice site typically lead to a loss of protein function (PMID: 16199547), and loss-of-function variants in VLDLR are known to be pathogenic (PMID: 18043714, 18326629, 22532556).

Literature cited by the submitters: PubMed 16199547 (cited by Labcorp Genetics (formerly Invitae), Labcorp); PubMed 18043714 (cited by Labcorp Genetics (formerly Invitae), Labcorp); PubMed 18326629 (cited by Labcorp Genetics (formerly Invitae), Labcorp); PubMed 22532556 (cited by Labcorp Genetics (formerly Invitae), Labcorp).